The following is an entry in ClinVar:

NM_000297.4(PKD2):c.*1997T>C

Gene: PKD2 (polycystin 2, transient receptor potential cation channel; plus strand). Cytogenetic location: 4q22.1.
Variant type: single nucleotide variant.
Coding change: c.*1997T>C on transcript NM_000297.4 (MANE Select); 1997 bases downstream of the stop codon, T replaced by C.
Molecular consequence: 3 prime UTR variant. On other transcripts: non-coding transcript variant (1).
Genome position (GRCh38, 1-based): chr4:88,077,691, T>C. VCF-style: chr4-88077691-T-C. GRCh37 (hg19) VCF-style: chr4-88998843-T-C.
Identifiers: ClinVar variation 350055 (VCV000350055.5), dbSNP rs375324508, ClinGen allele CA10619530.

ClinVar aggregate classification (germline): Likely benign (1 of 4 stars; one submission).

Conditions:
Polycystic kidney disease 2 (PKD2). Also called: Polycystic Kidney Disease 2, Autosomal Dominant; POLYCYSTIC KIDNEY DISEASE, ADULT, TYPE II; POLYCYSTIC KIDNEY DISEASE 2 WITH OR WITHOUT POLYCYSTIC LIVER DISEASE. Identifiers: MedGen C2751306, MONDO:0013131, OMIM 613095.

Allele frequency attached by ClinVar (database versions not stated): gnomAD 0.00036 and 0.00064; TOPMed 0.00051; 1000 Genomes Project 30x 0.00359; 1000 Genomes Project 0.00399.

Submission:

Illumina Laboratory Services, Illumina
Classification: Likely benign for Polycystic kidney disease 2. Last evaluated: 2018-01-13. Review status: criteria provided, single submitter. Criteria: ICSL Variant Classification Criteria 13 December 2019. Collection method: clinical testing. Allele origin: germline.
Comment: This variant was observed in the ICSL laboratory as part of a predisposition screen in an ostensibly healthy population. It had not been previously curated by ICSL or reported in the Human Gene Mutation Database (HGMD: prior to June 1st, 2018), and was therefore a candidate for classification through an automated scoring system. Utilizing variant allele frequency, disease prevalence and penetrance estimates, and inheritance mode, an automated score was calculated to assess if this variant is too frequent to cause the disease. Based on the score and internal cut-off values, a variant classified as likely benign is not then subjected to further curation. The score for this variant resulted in a classification of likely benign for this disease.